The following is an entry in ClinVar:

ClinVar aggregate classification (germline): Likely benign (0 of 4 stars; one submission).

Conditions:
CYP7B1-related disorder. Also called: CYP7B1-related condition.

Submission:

PreventionGenetics, part of Exact Sciences
Classification: Likely benign for CYP7B1-related condition. Last evaluated: 2021-07-21. Review status: no assertion criteria provided. Collection method: clinical testing. Allele origin: germline.
Comment: This variant is classified as likely benign based on ACMG/AMP sequence variant interpretation guidelines (Richards et al. 2015 PMID: 25741868, with internal and published modifications).

NM_004820.5(CYP7B1):c.260-9T>C

Gene: CYP7B1 (cytochrome P450 family 7 subfamily B member 1; minus strand). Cytogenetic location: 8q12.3.
Variant type: single nucleotide variant.
Coding change: c.260-9T>C on transcript NM_004820.5 (MANE Select); 9 bases into the intron before coding-DNA position 260, T replaced by C.
Molecular consequence: intron variant.
Genome position (GRCh38, 1-based): chr8:64,616,290, A>G on the plus strand (T>C on the coding strand, the complement: CYP7B1 is on the minus strand). VCF-style: chr8-64616290-A-G. GRCh37 (hg19) VCF-style: chr8-65528847-A-G.
Other names: c.260-9T>C (NM_001324112.2).
Identifiers: ClinVar variation 3028938 (VCV003028938.2), dbSNP rs2487192526, ClinGen allele CA2740095058.
Genomic context (GRCh38, chr8:64,616,290, plus strand): 5'-TTTATCACTAGCTGGTACTGGAAGGGGTCCAGGATAAATGTTATGTACTTTCCTAGAAAA[A>G]AAAAAAGAGAGAGAAAATATGAGTTCGTTTGTTAATAAAACAGAAATAAACACCACAAAT-3'